The following is an entry in ClinVar:

ClinVar aggregate classification (germline): Benign/Likely benign. Review status: criteria provided, multiple submitters, no conflicts (2 of 4 stars). 6 submissions from 6 submitters: Benign (1); Likely benign (5). Last evaluated 2026-02-01.

Conditions:
Nephronophthisis 16 (NPHP16). Identifiers: Orphanet 655, MedGen C3809320, MONDO:0014158, OMIM 615382.

Allele frequency attached by ClinVar (database versions not stated): gnomAD exomes 0.00023 and 0.00048; ExAC 0.00055; gnomAD 0.00184 and 0.00199; ESP Exome Variant Server 0.00197; 1000 Genomes Project 0.00200; TOPMed 0.00201; 1000 Genomes Project 30x 0.00234.
gnomAD v4.1: 623 of 1,602,476 alleles (0.039%); highest among the groups gnomAD compares: African/African-American, 0.64%; 2 homozygotes.

Submissions (6):

Labcorp Genetics (formerly Invitae), Labcorp
Classification: Benign for Nephronophthisis 16. Last evaluated: 2026-02-01. Review status: criteria provided, single submitter. Criteria: Invitae Variant Classification Sherloc (09022015). Collection method: clinical testing. Allele origin: germline.

Mayo Clinic Laboratories, Mayo Clinic
Classification: Likely benign. Last evaluated: 2025-11-09. Review status: criteria provided, single submitter. Criteria: ACMG Guidelines, 2015. Collection method: clinical testing. Allele origin: germline. Observed: 3 variant alleles.
Comment: BS1, BP4, BP7

Blueprint Genetics
Classification: Likely benign. Last evaluated: 2024-09-16. Review status: criteria provided, single submitter. Criteria: ACMG Guidelines, 2015. Collection method: clinical testing. Allele origin: germline.

CeGaT Center for Human Genetics Tuebingen
Classification: Likely benign. Last evaluated: 2023-10-01. Review status: criteria provided, single submitter. Criteria: CeGaT Center For Human Genetics Tuebingen Variant Classification Criteria Version 2. Collection method: clinical testing. Allele origin: germline. Affected: yes. Observed: 1 variant allele.
Comment: ANKS6: BP4, BP7

Breakthrough Genomics
Classification: Likely benign. Review status: criteria provided, single submitter. Criteria: ACMG Guidelines, 2015. Collection method: not provided. Allele origin: germline. Inheritance: Autosomal recessive inheritance. Affected: yes.

PreventionGenetics, part of Exact Sciences
Classification: Likely benign. Review status: criteria provided, single submitter. Criteria: ACMG Guidelines, 2015. Collection method: clinical testing. Allele origin: germline.

NM_173551.5(ANKS6):c.1740C>T (p.Asn580=)

Gene: ANKS6 (ankyrin repeat and sterile alpha motif domain containing 6; minus strand). Cytogenetic location: 9q22.33.
Variant type: single nucleotide variant.
Coding change: c.1740C>T on transcript NM_173551.5 (MANE Select); coding-DNA position 1740, C replaced by T.
Protein change: p.Asn580=; no amino-acid change (asparagine 580 retained).
Molecular consequence: synonymous variant.
Genome position (GRCh38, 1-based): chr9:98,773,958, G>A on the plus strand (C>T on the coding strand, the complement: ANKS6 is on the minus strand). VCF-style: chr9-98773958-G-A. GRCh37 (hg19) VCF-style: chr9-101536240-G-A.
Other names: p.Asn580=.
Identifiers: ClinVar variation 262844 (VCV000262844.38), dbSNP rs141868637, ClinGen allele CA5153377.
Genomic context (GRCh38, chr9:98,773,958, plus strand): 5'-CACGGGGTGGCCCCTGCTGGCTCTCTGGGGCAGCGCAGTCTTCATGGGGTCTGCCTTCCC[G>A]TTGTGACGCGTCCGGGACCGATCAGAGCTCCACAGCTCAAAACTGGAAGGGGGTAGGAAT-3'
Protein context (NP_775822.3, residues 570-590): WSSDRSRTRH[Asn580=]GKADPMKTAL